The following is an entry in ClinVar:

NM_001134407.3(GRIN2A):c.736C>A (p.Leu246Ile)

Gene: GRIN2A (glutamate ionotropic receptor NMDA type subunit 2A; minus strand). Cytogenetic location: 16p13.2.
Variant type: single nucleotide variant.
Coding change: c.736C>A on transcript NM_001134407.3 (MANE Select); coding-DNA position 736, C replaced by A.
Protein change: p.Leu246Ile; replaces leucine 246 with isoleucine.
Molecular consequence: missense variant.
Genome position (GRCh38, 1-based): chr16:9,938,230, G>T on the plus strand (C>A on the coding strand, the complement: GRIN2A is on the minus strand). VCF-style: chr16-9938230-G-T. GRCh37 (hg19) VCF-style: chr16-10032087-G-T.
Other names: c.736C>A, p.Leu246Ile (NM_000833.5, NM_001134408.2); short protein forms L246I.
Identifiers: ClinVar variation 597012 (VCV000597012.23), dbSNP rs555768104, ClinGen allele CA7896907.

ClinVar aggregate classification (germline): Conflicting classifications of pathogenicity. Review status: criteria provided, conflicting classifications (1 of 4 stars). 5 submissions from 5 submitters: Uncertain significance (2); Benign (1); Likely benign (1). 1 of the submissions does not count toward it. Last evaluated 2025-12-01.

Conditions:
GRIN2A-related complex neurodevelopmental disorder. Also called: GRIN2A-related disorder; GRIN2A-related condition. Identifiers: MedGen CN379781, MONDO:1060139.
Landau-Kleffner syndrome (FESD). Also called: EPILEPSY, FOCAL, WITH SPEECH DISORDER AND WITH OR WITHOUT MENTAL RETARDATION; APHASIA, ACQUIRED, WITH EPILEPSY. Identifiers: Orphanet 1945, Orphanet 725, Orphanet 98818, MedGen C0282512, MONDO:0009509, OMIM 245570.

Allele frequency attached by ClinVar (database versions not stated): ExAC 0.00005; 1000 Genomes Project 30x 0.00016; gnomAD exomes 0.00001 and 0.00005; TOPMed 0.00015; gnomAD 0.00017 and 0.00021; 1000 Genomes Project 0.00020.
gnomAD v4.1: 47 of 1,613,538 alleles (0.0029%); highest among the groups gnomAD compares: African/African-American, 0.056%; no homozygotes.

Submissions (5):

Labcorp Genetics (formerly Invitae), Labcorp
Classification: Likely benign for Landau-Kleffner syndrome. Last evaluated: 2025-12-01. Review status: criteria provided, single submitter. Criteria: Invitae Variant Classification Sherloc (09022015). Collection method: clinical testing. Allele origin: germline.

Women's Health and Genetics/Laboratory Corporation of America, LabCorp
Classification: Uncertain significance. Last evaluated: 2022-08-09. Review status: criteria provided, single submitter. Criteria: LabCorp Variant Classification Summary - May 2015. Collection method: clinical testing. Allele origin: germline.
Comment: Variant summary: GRIN2A c.736C>A (p.Leu246Ile) results in a conservative amino acid change located in the receptor, ligand binding region (IPR001828) of the encoded protein sequence. Three of five in-silico tools predict a damaging effect of the variant on protein function. The variant allele was found at a frequency of 5.2e-05 in 250922 control chromosomes, predominantly at a frequency of 0.00074 within the African or African-American subpopulation in the gnomAD database. To our knowledge, no occurrence of c.736C>A in individuals affected with GRIN2A-related disorders and no experimental evidence demonstrating its impact on protein function have been reported. Three submitters have provided clinical-significance assessments for this variant to ClinVar after 2014. Two classified the variant as benign (n=1)/likely benign (n=1) and one classified it as VUS. Based on the evidence outlined above, the variant was classified as uncertain significance.

Eurofins Ntd Llc (ga)
Classification: Uncertain significance. Last evaluated: 2018-05-15. Review status: criteria provided, single submitter. Criteria: EGL ClinVar v180209 classification definitions. Collection method: clinical testing. Allele origin: germline. Observed: 1 variant allele, 1 heterozygote.

Illumina Laboratory Services, Illumina
Classification: Benign for Landau-Kleffner syndrome. Last evaluated: 2018-01-12. Review status: criteria provided, single submitter. Criteria: ICSL Variant Classification Criteria 13 December 2019. Collection method: clinical testing. Allele origin: germline.
Comment: This variant was observed in the ICSL laboratory as part of a predisposition screen in an ostensibly healthy population. It had not been previously curated by ICSL or reported in the Human Gene Mutation Database (HGMD: prior to June 1st, 2018), and was therefore a candidate for classification through an automated scoring system. Utilizing variant allele frequency, disease prevalence and penetrance estimates, and inheritance mode, an automated score was calculated to assess if this variant is too frequent to cause the disease. Based on the score and internal cut-off values, a variant classified as benign is not then subjected to further curation. The score for this variant resulted in a classification of benign for this disease.

PreventionGenetics, part of Exact Sciences
Classification: Likely benign for GRIN2A-related condition. Last evaluated: 2023-05-22. Review status: no assertion criteria provided. Collection method: clinical testing. Allele origin: germline. Not counted in ClinVar's aggregate classification.
Comment: This variant is classified as likely benign based on ACMG/AMP sequence variant interpretation guidelines (Richards et al. 2015 PMID: 25741868, with internal and published modifications).